The following is an entry in ClinVar:

ClinVar aggregate classification (germline): Uncertain significance (1 of 4 stars; one submission).

Conditions:
Cardiovascular phenotype. Identifiers: MedGen CN230736.

Submission:

Ambry Genetics
Classification: Uncertain significance for Cardiovascular phenotype. Last evaluated: 2026-07-10. Review status: criteria provided, single submitter. Criteria: Ambry Variant Classification Scheme 2023. Collection method: clinical testing. Allele origin: germline.
Comment: The p.E205G variant (also known as c.614A>G), located in coding exon 4 of the LDB3 gene, results from an A to G substitution at nucleotide position 614. The glutamic acid at codon 205 is replaced by glycine, an amino acid with similar properties. This amino acid position is conserved. In addition, the in silico prediction for this alteration is inconclusive. Based on the available evidence, the clinical significance of this variant remains unclear.

NM_007078.3(LDB3):c.614A>G (p.Glu205Gly)

Gene: LDB3 (LIM domain binding 3; plus strand). Cytogenetic location: 10q23.2.
Variant type: single nucleotide variant.
Coding change: c.614A>G on transcript NM_007078.3 (MANE Select); coding-DNA position 614, A replaced by G.
Protein change: p.Glu205Gly; replaces glutamic acid 205 with glycine.
Molecular consequence: missense variant. On other transcripts: intron variant (5).
Genome position (GRCh38, 1-based): chr10:86,681,728, A>G. VCF-style: chr10-86681728-A-G. GRCh37 (hg19) VCF-style: chr10-88441485-A-G.
Other names: c.614A>G, p.Glu205Gly (NM_001080115.2, NM_001171610.2, NM_001171611.2 and 3 more transcripts); c.321+1571A>G (NM_001368068.1, NM_001368066.1, NM_001080114.2 and 2 more transcripts); short protein forms E205G.
Identifiers: ClinVar variation 5023526 (VCV005023526.1).
Genomic context (GRCh38, chr10:86,681,728, plus strand): 5'-CCCTGCCGGGCTCGAGCCAGCCGAGGCAATATAACAACCCCATTGGCCTGTACTCGGCAG[A>G]GACCCTGAGGGAGATGGCTCAGATGTACCAGATGAGCCTCCGAGGGAAGGCCTCGGGTGT-3'
Protein context (NP_009009.1, residues 195-215): YNNPIGLYSA[Glu205Gly]TLREMAQMYQ